The following is an entry in ClinVar:

ClinVar aggregate classification (germline): Uncertain significance (1 of 4 stars; one submission).

Conditions:
Distal myopathy with posterior leg and anterior hand involvement. Also called: WILLIAMS DISTAL MYOPATHY. Identifiers: Orphanet 63273, MedGen C3279722, MONDO:0013550, OMIM 614065.
Hypertrophic cardiomyopathy 26. Also called: Cardiomyopathy, familial hypertrophic, 26. Identifiers: Orphanet 75249, MedGen C4310749, MONDO:0014883, OMIM 617047.
Myofibrillar myopathy 5. Also called: Filaminopathy (type); FILAMINOPATHY, AUTOSOMAL DOMINANT. Identifiers: Orphanet 171445, MedGen C1836050, MONDO:0012289, OMIM 609524.

Allele frequency attached by ClinVar (database versions not stated): gnomAD exomes below 0.00001; TOPMed below 0.00001; ExAC 0.00001.
gnomAD v4.1: 2 of 1,613,882 alleles (0.00012%); highest among the groups gnomAD compares: Non-Finnish European, 0.00017%; no homozygotes.

Submission:

Labcorp Genetics (formerly Invitae), Labcorp
Classification: Uncertain significance for Distal myopathy with posterior leg and anterior hand involvement; Myofibrillar myopathy 5; Hypertrophic cardiomyopathy 26. Last evaluated: 2022-07-19. Review status: criteria provided, single submitter. Criteria: Invitae Variant Classification Sherloc (09022015). Collection method: clinical testing. Allele origin: germline.
Comment: In summary, the available evidence is currently insufficient to determine the role of this variant in disease. Therefore, it has been classified as a Variant of Uncertain Significance. Variants that disrupt the consensus splice site are a relatively common cause of aberrant splicing (PMID: 17576681, 9536098). Algorithms developed to predict the effect of sequence changes on RNA splicing suggest that this variant is not likely to affect RNA splicing. ClinVar contains an entry for this variant (Variation ID: 1411432). This variant has not been reported in the literature in individuals affected with FLNC-related conditions. This variant is present in population databases (rs757293841, gnomAD 0.0009%). This sequence change falls in intron 12 of the FLNC gene. It does not directly change the encoded amino acid sequence of the FLNC protein. It affects a nucleotide within the consensus splice site.

Literature cited by the submitters: PubMed 17576681; PubMed 9536098.

NM_001458.5(FLNC):c.2007+6G>A

Gene: FLNC (filamin C; plus strand). Cytogenetic location: 7q32.1.
Variant type: single nucleotide variant.
Coding change: c.2007+6G>A on transcript NM_001458.5 (MANE Select); 6 bases into the intron after coding-DNA position 2007, G replaced by A.
Molecular consequence: intron variant.
Genome position (GRCh38, 1-based): chr7:128,841,369, G>A. VCF-style: chr7-128841369-G-A. GRCh37 (hg19) VCF-style: chr7-128481423-G-A.
Other names: c.2007+6G>A (NM_001127487.2).
Identifiers: ClinVar variation 1411432 (VCV001411432.6), dbSNP rs757293841, ClinGen allele CA4474546.